The following is an entry in ClinVar:

NM_001042492.3(NF1):c.6820-2A>T

Gene: NF1 (neurofibromin 1; plus strand). Cytogenetic location: 17q11.2.
Variant type: single nucleotide variant.
Coding change: c.6820-2A>T on transcript NM_001042492.3 (MANE Select); the canonical splice acceptor site of the intron before coding-DNA position 6820, A replaced by T.
Molecular consequence: splice acceptor variant.
Genome position (GRCh38, 1-based): chr17:31,338,702, A>T. VCF-style: chr17-31338702-A-T. GRCh37 (hg19) VCF-style: chr17-29665720-A-T.
Other names: c.6757-2A>T (NM_000267.4).
Identifiers: ClinVar variation 3722695 (VCV003722695.2).

ClinVar aggregate classification (germline): Pathogenic (1 of 4 stars; one submission).

Conditions:
Neurofibromatosis, type 1 (NF1). Also called: VON RECKLINGHAUSEN DISEASE; NEUROFIBROMATOSIS, TYPE I, SOMATIC; Peripheral type neurofibromatosis; Neurofibromatosis, type I. Identifiers: Orphanet 636, MedGen C0027831, MONDO:0018975, OMIM 162200. Disease mechanism: loss of function.

Submission:

Labcorp Genetics (formerly Invitae), Labcorp
Classification: Pathogenic for Neurofibromatosis, type 1. Last evaluated: 2025-01-30. Review status: criteria provided, single submitter. Criteria: Invitae Variant Classification Sherloc (09022015). Collection method: clinical testing. Allele origin: germline.
Comment: This sequence change affects an acceptor splice site in intron 44 of the NF1 gene. It is expected to disrupt RNA splicing. Variants that disrupt the donor or acceptor splice site typically lead to a loss of protein function (PMID: 16199547), and loss-of-function variants in NF1 are known to be pathogenic (PMID: 10712197, 23913538). This variant is not present in population databases (gnomAD no frequency). Disruption of this splice site has been observed in individual(s) with neurofibromatosis type 1 (PMID: 23668869, 27999334). Algorithms developed to predict the effect of sequence changes on RNA splicing suggest that this variant may disrupt the consensus splice site. For these reasons, this variant has been classified as Pathogenic.

Literature cited by the submitters: PubMed 16199547; PubMed 10712197; PubMed 23913538; PubMed 23668869; PubMed 27999334.